The following is an entry in ClinVar:

NM_004186.5(SEMA3F):c.850G>A (p.Ala284Thr)

Gene: SEMA3F (semaphorin 3F; plus strand). Cytogenetic location: 3p21.31.
Variant type: single nucleotide variant.
Coding change: c.850G>A on transcript NM_004186.5 (MANE Select); coding-DNA position 850, G replaced by A.
Protein change: p.Ala284Thr; replaces alanine 284 with threonine.
Molecular consequence: missense variant.
Genome position (GRCh38, 1-based): chr3:50,182,730, G>A. VCF-style: chr3-50182730-G-A. GRCh37 (hg19) VCF-style: chr3-50220163-G-A.
Other names: c.850G>A (NM_004186.3); c.553G>A, p.Ala185Thr (NM_001318798.2); c.757G>A, p.Ala253Thr (NM_001318800.2); short protein forms A185T, A253T, A284T.
Identifiers: ClinVar variation 3357624 (VCV003357624.3).

ClinVar aggregate classification (germline): Uncertain significance. Review status: criteria provided, multiple submitters, no conflicts (2 of 4 stars). 2 submissions from 2 submitters: Uncertain significance (2). Last evaluated 2026-03-03.

Conditions:
SEMA3F-related disorder. Also called: SEMA3F-related condition.

Submissions (2):

PreventionGenetics, part of Exact Sciences
Classification: Uncertain significance for SEMA3F-related condition. Last evaluated: 2026-03-03. Review status: criteria provided, single submitter. Criteria: ACMG Guidelines, 2015. Collection method: clinical testing. Allele origin: germline.
Comment: The SEMA3F c.850G>A variant is predicted to result in the amino acid substitution p.Ala284Thr. To our knowledge, this variant has not been reported in the literature or in a large population database (gnomAD), indicating this variant is rare. At this time, the clinical significance of this variant is uncertain due to the absence of conclusive functional and genetic evidence.

Ambry Genetics
Classification: Uncertain significance. Last evaluated: 2025-12-16. Review status: criteria provided, single submitter. Criteria: Ambry Variant Classification Scheme 2023. Collection method: clinical testing. Allele origin: germline.